The following is an entry in ClinVar:

ClinVar aggregate classification (germline): Likely benign (1 of 4 stars; one submission).

gnomAD v4.1: 1,301 of 1,573,396 alleles (0.083%); highest among the groups gnomAD compares: Admixed American, 0.21%; 4 homozygotes.

Submission:

CeGaT Center for Human Genetics Tuebingen
Classification: Likely benign. Last evaluated: 2025-12-01. Review status: criteria provided, single submitter. Criteria: CeGaT Center For Human Genetics Tuebingen Variant Classification Criteria Version 2. Collection method: clinical testing. Allele origin: germline. Affected: yes. Observed: 1 variant allele.
Comment: GEMIN5: BS2

NM_015465.5(GEMIN5):c.142A>T (p.Ser48Cys)

Gene: GEMIN5 (gem nuclear organelle associated protein 5; minus strand). Cytogenetic location: 5q33.2.
Variant type: single nucleotide variant.
Coding change: c.142A>T on transcript NM_015465.5 (MANE Select); coding-DNA position 142, A replaced by T.
Protein change: p.Ser48Cys; replaces serine 48 with cysteine.
Molecular consequence: missense variant.
Genome position (GRCh38, 1-based): chr5:154,937,992, T>A on the plus strand (A>T on the coding strand, the complement: GEMIN5 is on the minus strand). VCF-style: chr5-154937992-T-A. GRCh37 (hg19) VCF-style: chr5-154317552-T-A.
Other names: c.142A>T, p.Ser48Cys (NM_001252156.2); short protein forms S48C.
Identifiers: ClinVar variation 4820727 (VCV004820727.4).
Genomic context (GRCh38, chr5:154,937,992, plus strand): 5'-GGGCAGTAAGTCTCGGGCCCAAGGGTGGTGAGTTACCTCGAAACGGGGGTGTCCCTGGAC[T>A]CTCGCCTGCGCCCGGGCCCACGCGGACAAGGAAGACGGAGGTCCGCGCGGCGAAGCCAAA-3'
Protein context (NP_056280.2, residues 38-58): LVRVGPGAGE[Ser48Cys]PGTPPFRVIG